The following is an entry in ClinVar:

NC_000022.10:g.(?_31010316)_(31013502_?)del

Gene: TCN2 (transcobalamin 2; plus strand). Cytogenetic location: 22q12.2.
Variant type: Deletion.
Identifiers: ClinVar variation 3247391 (VCV003247391.1).

ClinVar aggregate classification (germline): Pathogenic (1 of 4 stars; one submission).

Conditions:
Transcobalamin II deficiency (TCN2D). Also called: TC II DEFICIENCY; TCN2 DEFICIENCY; Transcolabamin II deficiency. Identifiers: Orphanet 859, MedGen C0342701, MONDO:0010149, OMIM 275350.

Submission:

Labcorp Genetics (formerly Invitae), Labcorp
Classification: Pathogenic for Transcobalamin II deficiency. Last evaluated: 2024-01-09. Review status: criteria provided, single submitter. Criteria: Invitae Variant Classification Sherloc (09022015). Collection method: clinical testing. Allele origin: unknown.
Comment: This variant is a gross deletion of the genomic region encompassing exon(s) 4-7 of the TCN2 gene. This deletion is out-of-frame, and is expected to create a premature termination codon and result in an absent or disrupted protein product. Loss-of-function variants in TCN2 are known to be pathogenic (PMID: 7980584, 20352340). This variant has not been reported in the literature in individuals affected with TCN2-related conditions. This variant is also known as c.429_1106+1del (p.His144_Thr369del). For these reasons, this variant has been classified as Pathogenic.

Literature cited by the submitters: PubMed 7980584; PubMed 20352340.